The following is an entry in ClinVar:

ClinVar aggregate classification (germline): Benign/Likely benign. Review status: criteria provided, multiple submitters, no conflicts (2 of 4 stars). 4 submissions from 4 submitters: Benign (1); Likely benign (3). Last evaluated 2026-06-23.

Conditions:
Retinoblastoma (RB1). Also called: RETINOBLASTOMA, SOMATIC. Identifiers: Orphanet 790, MedGen C0035335, MeSH D012175, MONDO:0008380, OMIM 180200, HP:0009919. Disease mechanism: loss of function. Inheritance: Both sporadic and heritable forms are tested..
Hereditary cancer-predisposing syndrome. Also called: Neoplastic Syndromes, Hereditary; Tumor predisposition; Hereditary neoplastic syndrome; Hereditary Cancer Syndrome. Identifiers: Orphanet 140162, MedGen C0027672, MeSH D009386, MONDO:0015356.

Allele frequency attached by ClinVar (database versions not stated): TOPMed below 0.00001.

Submissions (4):

Myriad Genetics, Inc.
Classification: Benign for Retinoblastoma. Last evaluated: 2026-06-23. Review status: criteria provided, single submitter. Criteria: Myriad Autosomal Dominant, Autosomal Recessive and X-Linked Classification Criteria (2023). Collection method: clinical testing. Allele origin: unknown.
Comment: This variant is considered benign. This variant is a silent/synonymous amino acid change and it is not expected to impact splicing.

Color Diagnostics, LLC DBA Color Health
Classification: Likely benign for Retinoblastoma. Last evaluated: 2025-09-05. Review status: criteria provided, single submitter. Criteria: ACMG Guidelines, 2015. Collection method: clinical testing. Allele origin: germline.

Labcorp Genetics (formerly Invitae), Labcorp
Classification: Likely benign for Retinoblastoma. Last evaluated: 2023-12-15. Review status: criteria provided, single submitter. Criteria: Invitae Variant Classification Sherloc (09022015). Collection method: clinical testing. Allele origin: germline.

Ambry Genetics
Classification: Likely benign for Hereditary cancer-predisposing syndrome. Last evaluated: 2020-12-02. Review status: criteria provided, single submitter. Criteria: Ambry Variant Classification Scheme 2023. Collection method: clinical testing. Allele origin: germline.

NM_000321.3(RB1):c.375A>G (p.Glu125=)

Gene: RB1 (RB transcriptional corepressor 1; plus strand). Cytogenetic location: 13q14.2.
Variant type: single nucleotide variant.
Coding change: c.375A>G on transcript NM_000321.3 (MANE Select); coding-DNA position 375, A replaced by G.
Protein change: p.Glu125=; no amino-acid change (glutamic acid 125 retained).
Molecular consequence: synonymous variant.
Genome position (GRCh38, 1-based): chr13:48,342,709, A>G. VCF-style: chr13-48342709-A-G. GRCh37 (hg19) VCF-style: chr13-48916845-A-G.
Other names: c.375A>G, p.Glu125= (NM_001407165.1, NM_001407166.1).
Identifiers: ClinVar variation 1734629 (VCV001734629.8), dbSNP rs947950104, ClinGen allele CA249846146.